The following is an entry in ClinVar:

ClinVar aggregate classification (germline): Uncertain significance (1 of 4 stars; one submission).

Allele frequency attached by ClinVar (database versions not stated): ExAC 0.00004; gnomAD exomes 0.00006.
gnomAD v4.1: 30 of 1,599,488 alleles (0.0019%); highest among the groups gnomAD compares: South Asian, 0.032%; no homozygotes.

Submission:

Labcorp Genetics (formerly Invitae), Labcorp
Classification: Uncertain significance. Last evaluated: 2023-08-27. Review status: criteria provided, single submitter. Criteria: Invitae Variant Classification Sherloc (09022015). Collection method: clinical testing. Allele origin: germline.
Comment: In summary, the available evidence is currently insufficient to determine the role of this variant in disease. Therefore, it has been classified as a Variant of Uncertain Significance. An algorithm developed to predict the effect of missense changes on protein structure and function (PolyPhen-2) suggests that this variant is likely to be tolerated. ClinVar contains an entry for this variant (Variation ID: 1043746). This variant has not been reported in the literature in individuals affected with GUCY2C-related conditions. This variant is present in population databases (rs775457061, gnomAD 0.04%). This sequence change replaces leucine, which is neutral and non-polar, with histidine, which is basic and polar, at codon 751 of the GUCY2C protein (p.Leu751His).

NM_004963.4(GUCY2C):c.2252T>A (p.Leu751His)

Gene: GUCY2C (guanylate cyclase 2C; minus strand). Cytogenetic location: 12p12.3.
Variant type: single nucleotide variant.
Coding change: c.2252T>A on transcript NM_004963.4 (MANE Select); coding-DNA position 2252, T replaced by A.
Protein change: p.Leu751His; replaces leucine 751 with histidine.
Molecular consequence: missense variant.
Genome position (GRCh38, 1-based): chr12:14,625,913, A>T on the plus strand (T>A on the coding strand, the complement: GUCY2C is on the minus strand). VCF-style: chr12-14625913-A-T. GRCh37 (hg19) VCF-style: chr12-14778847-A-T.
Other names: short protein forms L751H.
Identifiers: ClinVar variation 1043746 (VCV001043746.8), dbSNP rs775457061, ClinGen allele CA6463106.